The following is an entry in ClinVar:

ClinVar aggregate classification (germline): Conflicting classifications of pathogenicity. Review status: criteria provided, conflicting classifications (1 of 4 stars). 3 submissions from 3 submitters: Uncertain significance (1); Likely benign (2). Last evaluated 2025-12-19.

Conditions:
Neurodevelopmental disorder with or without hyperkinetic movements and seizures, autosomal dominant. Also called: Intellectual disability, autosomal dominant 8. Identifiers: MedGen C3280282, MONDO:0013655, OMIM 614254.
Inborn genetic diseases. Identifiers: MedGen C0950123, MeSH D030342.

Allele frequency attached by ClinVar (database versions not stated): TOPMed below 0.00001; gnomAD 0.00001; gnomAD exomes 0.00001 and 0.00003; ExAC 0.00002.
gnomAD v4.1: 9 of 1,613,752 alleles (0.00056%); highest among the groups gnomAD compares: Admixed American, 0.013%; no homozygotes.

Submissions (3):

Labcorp Genetics (formerly Invitae), Labcorp
Classification: Likely benign for Neurodevelopmental disorder with or without hyperkinetic movements and seizures, autosomal dominant. Last evaluated: 2025-12-19. Review status: criteria provided, single submitter. Criteria: Invitae Variant Classification Sherloc (09022015). Collection method: clinical testing. Allele origin: germline.

Ambry Genetics
Classification: Uncertain significance for Inborn genetic diseases. Last evaluated: 2019-09-27. Review status: criteria provided, single submitter. Criteria: Ambry Variant Classification Scheme 2023. Collection method: clinical testing. Allele origin: germline.
Comment: The p.K51R variant (also known as c.152A>G), located in coding exon 1 of the GRIN1 gene, results from an A to G substitution at nucleotide position 152. The lysine at codon 51 is replaced by arginine, an amino acid with highly similar properties. This amino acid position is well conserved in available vertebrate species. In addition, this alteration is predicted to be tolerated by in silico analysis. Since supporting evidence is limited at this time, the clinical significance of this alteration remains unclear.

GeneDx
Classification: Likely benign. Last evaluated: 2018-03-27. Review status: criteria provided, single submitter. Criteria: GeneDx Variant Classification (06012015). Collection method: clinical testing. Allele origin: germline. Affected: yes.
Comment: This variant is considered likely benign or benign based on one or more of the following criteria: it is a conservative change, it occurs at a poorly conserved position in the protein, it is predicted to be benign by multiple in silico algorithms, and/or has population frequency not consistent with disease.

NM_007327.4(GRIN1):c.152A>G (p.Lys51Arg)

Gene: GRIN1 (glutamate ionotropic receptor NMDA type subunit 1; plus strand). Cytogenetic location: 9q34.3.
Variant type: single nucleotide variant.
Coding change: c.152A>G on transcript NM_007327.4 (MANE Select); coding-DNA position 152, A replaced by G.
Protein change: p.Lys51Arg; replaces lysine 51 with arginine.
Molecular consequence: missense variant.
Genome position (GRCh38, 1-based): chr9:137,139,638, A>G. VCF-style: chr9-137139638-A-G. GRCh37 (hg19) VCF-style: chr9-140034090-A-G.
Other names: c.152A>G, p.Lys51Arg (NM_000832.7, NM_001185090.2, NM_001185091.2 and 1 more transcripts); short protein forms K51R.
Identifiers: ClinVar variation 472572 (VCV000472572.15), dbSNP rs767000671, ClinGen allele CA5360583.